The following is an entry in ClinVar:

ClinVar aggregate classification (germline): Likely benign. Review status: criteria provided, multiple submitters, no conflicts (2 of 4 stars). 4 submissions from 4 submitters: Likely benign (2). 2 of the submissions do not count toward it. Last evaluated 2025-05-01.

Conditions:
VPS13A-related disorder. Also called: VPS13A-related condition.
VPS13A-related neurodegenerative disease. Also called: LEVINE-CRITCHLEY SYNDROME; VPS13A Disease; ACANTHOCYTOSIS WITH NEUROLOGIC DISORDER; Choreoacanthocytosis; Chorea-acanthocytosis; Choreaacanthocytosis. Identifiers: Orphanet 2388, MedGen C0393576, MONDO:0008695, OMIM 200150.

Allele frequency attached by ClinVar (database versions not stated): gnomAD 0.00001 and 0.00002; TOPMed 0.00002.
gnomAD v4.1: 69 of 1,612,574 alleles (0.0043%); highest among the groups gnomAD compares: East Asian, 0.08%; no homozygotes.

Submissions (4):

Labcorp Genetics (formerly Invitae), Labcorp
Classification: Likely benign. Last evaluated: 2025-05-01. Review status: criteria provided, single submitter. Criteria: Invitae Variant Classification Sherloc (09022015). Collection method: clinical testing. Allele origin: germline.

Blueprint Genetics
Classification: Likely benign. Last evaluated: 2021-07-27. Review status: criteria provided, single submitter. Criteria: ACMG Guidelines, 2015. Collection method: clinical testing. Allele origin: germline.

Natera, Inc.
Classification: Uncertain significance for Choreaacanthocytosis. Last evaluated: 2020-02-13. Review status: no assertion criteria provided. Collection method: clinical testing. Allele origin: germline. Not counted in ClinVar's aggregate classification.

PreventionGenetics, part of Exact Sciences
Classification: Likely benign for VPS13A-related condition. Last evaluated: 2019-06-17. Review status: no assertion criteria provided. Collection method: clinical testing. Allele origin: germline. Not counted in ClinVar's aggregate classification.
Comment: This variant is classified as likely benign based on ACMG/AMP sequence variant interpretation guidelines (Richards et al. 2015 PMID: 25741868, with internal and published modifications).

NM_033305.3(VPS13A):c.7290-10A>G

Gene: VPS13A (vacuolar protein sorting 13 homolog A; plus strand). Cytogenetic location: 9q21.2.
Variant type: single nucleotide variant.
Coding change: c.7290-10A>G on transcript NM_033305.3 (MANE Select); 10 bases into the intron before coding-DNA position 7290, A replaced by G.
Molecular consequence: intron variant.
Genome position (GRCh38, 1-based): chr9:77,351,307, A>G. VCF-style: chr9-77351307-A-G. GRCh37 (hg19) VCF-style: chr9-79966223-A-G.
Other names: c.7173-10A>G (NM_001018037.2); c.7290-10A>G (NM_015186.4, NM_001018038.3).
Identifiers: ClinVar variation 700763 (VCV000700763.15), dbSNP rs777376932, ClinGen allele CA5093298.
Genomic context (GRCh38, chr9:77,351,307, plus strand): 5'-ATTTTAGTTTTTTTTTAATCTCTTCGTGTACTTGCATTTAATTTAACGCGTATTTTTGCT[A>G]CTGTGTCAGTTCTCTCAGTGAAATAGAAGATTCCCTCCCTCCTGGTAAAGCCGTGTTTTA-3'